The following is an entry in ClinVar:

ClinVar aggregate classification (germline): Uncertain significance (1 of 4 stars; one submission).

Conditions:
Primary dilated cardiomyopathy (DCM). Also called: Dilated Cardiomyopathy. Identifiers: Orphanet 217604, MedGen C0007193, MeSH D002311, MONDO:0005021, HP:0001644. Inheritance: Various modes of inheritance.

gnomAD v4.1: 2 of 1,608,722 alleles (0.00012%); highest among the groups gnomAD compares: Non-Finnish European, 0.00017%; no homozygotes.

Submission:

Labcorp Genetics (formerly Invitae), Labcorp
Classification: Uncertain significance for Primary dilated cardiomyopathy. Last evaluated: 2025-02-04. Review status: criteria provided, single submitter. Criteria: Invitae Variant Classification Sherloc (09022015). Collection method: clinical testing. Allele origin: germline.
Comment: This sequence change replaces glutamic acid, which is acidic and polar, with lysine, which is basic and polar, at codon 491 of the NEBL protein (p.Glu491Lys). This variant is present in population databases (no rsID available, gnomAD 0.007%). This variant has not been reported in the literature in individuals affected with NEBL-related conditions. An algorithm developed to predict the effect of missense changes on protein structure and function (PolyPhen-2) suggests that this variant is likely to be disruptive. In summary, the available evidence is currently insufficient to determine the role of this variant in disease. Therefore, it has been classified as a Variant of Uncertain Significance.

NM_006393.3(NEBL):c.1471G>A (p.Glu491Lys)

Gene: NEBL (nebulette; minus strand). Cytogenetic location: 10p12.31.
Variant type: single nucleotide variant.
Coding change: c.1471G>A on transcript NM_006393.3 (MANE Select); coding-DNA position 1471, G replaced by A.
Protein change: p.Glu491Lys; replaces glutamic acid 491 with lysine.
Molecular consequence: missense variant. On other transcripts: intron variant (9).
Genome position (GRCh38, 1-based): chr10:20,831,562, C>T on the plus strand (G>A on the coding strand, the complement: NEBL is on the minus strand). VCF-style: chr10-20831562-C-T. GRCh37 (hg19) VCF-style: chr10-21120491-C-T.
Other names: c.250-18622G>A (NM_001377326.1, NM_001377327.1, NM_001377328.1); c.358-18622G>A (NM_213569.2, NM_001173484.2, NM_001377322.1); c.301-18622G>A (NM_001377324.1); c.292-18622G>A (NM_001377325.1); c.310-18622G>A (NM_001377323.1); short protein forms E491K.
Identifiers: ClinVar variation 4781927 (VCV004781927.1).